The following is an entry in ClinVar:

ClinVar aggregate classification (germline): Uncertain significance (1 of 4 stars; one submission).

Conditions:
Hereditary cancer-predisposing syndrome. Also called: Tumor predisposition; Hereditary neoplastic syndrome; Neoplastic Syndromes, Hereditary; Hereditary Cancer Syndrome. Identifiers: Orphanet 140162, MedGen C0027672, MeSH D009386, MONDO:0015356.

Submission:

Ambry Genetics
Classification: Uncertain significance for Hereditary cancer-predisposing syndrome. Last evaluated: 2025-04-15. Review status: criteria provided, single submitter. Criteria: Ambry Variant Classification Scheme 2023. Collection method: clinical testing. Allele origin: germline.
Comment: The p.I815M variant (also known as c.2445T>G), located in coding exon 9 of the BRCA1 gene, results from a T to G substitution at nucleotide position 2445. The isoleucine at codon 815 is replaced by methionine, an amino acid with highly similar properties. This amino acid position is not well conserved in available vertebrate species. In addition, this alteration is predicted to be tolerated by in silico analysis. Based on the available evidence, the clinical significance of this variant remains unclear.

NM_007294.4(BRCA1):c.2445T>G (p.Ile815Met)

Gene: BRCA1 (BRCA1 DNA repair associated; minus strand). Cytogenetic location: 17q21.31.
Variant type: single nucleotide variant.
Coding change: c.2445T>G on transcript NM_007294.4 (MANE Select); coding-DNA position 2445, T replaced by G.
Protein change: p.Ile815Met; replaces isoleucine 815 with methionine.
Molecular consequence: missense variant. On other transcripts: intron variant (137).
Genome position (GRCh38, 1-based): chr17:43,093,086, A>C on the plus strand (T>G on the coding strand, the complement: BRCA1 is on the minus strand). VCF-style: chr17-43093086-A-C. GRCh37 (hg19) VCF-style: chr17-41245103-A-C.
Other names: c.2445T>G, p.Ile815Met (NM_001407641.1, NM_001407642.1, NM_001407616.1 and 30 more transcripts); c.784+1658T>G (NM_001407992.1, NM_001408397.1, NM_001408401.1 and 13 more transcripts); c.2304T>G, p.Ile768Met (NM_001407737.1, NM_001407738.1, NM_001407739.1 and 29 more transcripts); c.664+1658T>G (NM_001408440.1, NM_001408428.1, NM_001408436.1 and 12 more transcripts); c.2301T>G, p.Ile767Met (NM_001407838.1, NM_001407740.1, NM_001407741.1 and 20 more transcripts); c.787+1658T>G (NM_007298.4, NM_001407978.1, NM_001407981.1 and 17 more transcripts); c.643+1658T>G (NM_001408462.1, NM_001408470.1, NM_001408464.1 and 3 more transcripts); c.671-2054T>G (NM_001408418.1, NM_001408423.1, NM_001408420.1 and 2 more transcripts); and 41 more; short protein forms I704M, I726M, I768M, I773M, I789M, I814M, I647M, I687M.
Identifiers: ClinVar variation 3992595 (VCV003992595.1).